The following is an entry in ClinVar:

ClinVar aggregate classification (germline): Likely benign. Review status: criteria provided, multiple submitters, no conflicts (2 of 4 stars). 2 submissions from 2 submitters: Likely benign (2). Last evaluated 2025-06-17.

Conditions:
MYO5B-related disorder. Also called: MYO5B-related condition.

gnomAD v4.1: 19 of 1,614,130 alleles (0.0012%); highest among the groups gnomAD compares: South Asian, 0.019%; no homozygotes.

Submissions (2):

PreventionGenetics, part of Exact Sciences
Classification: Likely benign for MYO5B-related condition. Last evaluated: 2025-06-17. Review status: criteria provided, single submitter. Criteria: ACMG Guidelines, 2015. Collection method: clinical testing. Allele origin: germline.
Comment: This variant is classified as likely benign based on ACMG/AMP sequence variant interpretation guidelines (Richards et al. 2015 PMID: 25741868, with internal and published modifications).

Labcorp Genetics (formerly Invitae), Labcorp
Classification: Likely benign. Last evaluated: 2024-07-05. Review status: criteria provided, single submitter. Criteria: Invitae Variant Classification Sherloc (09022015). Collection method: clinical testing. Allele origin: germline.

NM_001080467.3(MYO5B):c.311-9T>C

Gene: MYO5B (myosin VB; minus strand). Cytogenetic location: 18q21.1.
Variant type: single nucleotide variant.
Coding change: c.311-9T>C on transcript NM_001080467.3 (MANE Select); 9 bases into the intron before coding-DNA position 311, T replaced by C.
Molecular consequence: intron variant.
Genome position (GRCh38, 1-based): chr18:50,037,003, A>G on the plus strand (T>C on the coding strand, the complement: MYO5B is on the minus strand). VCF-style: chr18-50037003-A-G. GRCh37 (hg19) VCF-style: chr18-47563373-A-G.
Other names: c.311-9T>C (NM_001080467.2).
Identifiers: ClinVar variation 3715004 (VCV003715004.3).